The following is an entry in ClinVar:

ClinVar aggregate classification (germline): Uncertain significance (1 of 4 stars; one submission).

Allele frequency attached by ClinVar (database versions not stated): ExAC 0.00004.

Submission:

Labcorp Genetics (formerly Invitae), Labcorp
Classification: Uncertain significance. Last evaluated: 2022-10-17. Review status: criteria provided, single submitter. Criteria: Invitae Variant Classification Sherloc (09022015). Collection method: clinical testing. Allele origin: germline.
Comment: In summary, the available evidence is currently insufficient to determine the role of this variant in disease. Therefore, it has been classified as a Variant of Uncertain Significance. Algorithms developed to predict the effect of missense changes on protein structure and function are either unavailable or do not agree on the potential impact of this missense change (SIFT: "Not Available"; PolyPhen-2: "Benign"; Align-GVGD: "Not Available"). ClinVar contains an entry for this variant (Variation ID: 1383327). This variant has not been reported in the literature in individuals affected with MYO18B-related conditions. This variant is not present in population databases (gnomAD no frequency). This sequence change replaces methionine, which is neutral and non-polar, with leucine, which is neutral and non-polar, at codon 1264 of the MYO18B protein (p.Met1264Leu).

NM_032608.7(MYO18B):c.3790A>C (p.Met1264Leu)

Gene: MYO18B (myosin XVIIIB; plus strand). Cytogenetic location: 22q12.1.
Variant type: single nucleotide variant.
Coding change: c.3790A>C on transcript NM_032608.7 (MANE Select); coding-DNA position 3790, A replaced by C.
Protein change: p.Met1264Leu; replaces methionine 1264 with leucine.
Molecular consequence: missense variant.
Genome position (GRCh38, 1-based): chr22:25,851,484, A>C. VCF-style: chr22-25851484-A-C. GRCh37 (hg19) VCF-style: chr22-26247451-A-C.
Other names: c.3793A>C, p.Met1265Leu (NM_001318245.2); short protein forms M1265L, M1264L.
Identifiers: ClinVar variation 1383327 (VCV001383327.4), dbSNP rs749827124, ClinGen allele CA10160653.